The following is an entry in ClinVar:

ClinVar aggregate classification (germline): Uncertain significance (1 of 4 stars; one submission).

Allele frequency attached by ClinVar (database versions not stated): gnomAD 0.00003; TOPMed 0.00003; ExAC 0.00004.

Submission:

Labcorp Genetics (formerly Invitae), Labcorp
Classification: Uncertain significance. Last evaluated: 2022-10-17. Review status: criteria provided, single submitter. Criteria: Invitae Variant Classification Sherloc (09022015). Collection method: clinical testing. Allele origin: germline.
Comment: This sequence change replaces proline, which is neutral and non-polar, with proline, which is neutral and non-polar, at codon 773 of the SLC4A11 protein (Silent). This variant is present in population databases (rs771888023, gnomAD 0.05%). This variant has not been reported in the literature in individuals affected with SLC4A11-related conditions. Algorithms developed to predict the effect of sequence changes on RNA splicing suggest that this variant is not likely to affect RNA splicing. In summary, the available evidence is currently insufficient to determine the role of this variant in disease. Therefore, it has been classified as a Variant of Uncertain Significance.

NM_001174089.2(SLC4A11):c.2271G>A (p.Pro757=)

Gene: SLC4A11 (solute carrier family 4 member 11; minus strand). Cytogenetic location: 20p13.
Variant type: single nucleotide variant.
Coding change: c.2271G>A on transcript NM_001174089.2 (MANE Select); coding-DNA position 2271, G replaced by A.
Protein change: p.Pro757=; no amino-acid change (proline 757 retained).
Molecular consequence: synonymous variant. On other transcripts: non-coding transcript variant (3).
Genome position (GRCh38, 1-based): chr20:3,228,629, C>T on the plus strand (G>A on the coding strand, the complement: SLC4A11 is on the minus strand). VCF-style: chr20-3228629-C-T. GRCh37 (hg19) VCF-style: chr20-3209275-C-T.
Other names: c.2400G>A, p.Pro800= (NM_001174090.2); c.2157G>A, p.Pro719= (NM_001363745.2); c.2214G>A, p.Pro738= (NM_001400277.1, NM_001400278.1, NM_001400279.1); c.2286G>A, p.Pro762= (NM_001400280.1); c.2319G>A, p.Pro773= (NM_032034.4).
Identifiers: ClinVar variation 2201010 (VCV002201010.1), dbSNP rs771888023, ClinGen allele CA9741515.